The following is an entry in ClinVar:

ClinVar aggregate classification (germline): Conflicting classifications of pathogenicity. Review status: criteria provided, conflicting classifications (1 of 4 stars). 4 submissions from 4 submitters: Pathogenic (2); Uncertain significance (2). Last evaluated 2025-08-14.

Conditions:
Developmental and epileptic encephalopathy, 12 (DEE12). Identifiers: MedGen C3150988, MONDO:0013389, OMIM 613722.
Ataxia - oculomotor apraxia type 4. Identifiers: Orphanet 459033, MedGen C4225397, MONDO:0014557, OMIM 616267.

Submissions (4):

Labcorp Genetics (formerly Invitae), Labcorp
Classification: Pathogenic for Developmental and epileptic encephalopathy, 12. Last evaluated: 2025-08-14. Review status: criteria provided, single submitter. Criteria: Invitae Variant Classification Sherloc (09022015). Collection method: clinical testing. Allele origin: germline.
Comment: This sequence change is expected to alter the c-terminus of the PNKP protein (p.Arg504Glyfs*). While this is not anticipated to result in nonsense mediated decay, it is expected to disrupt the last 18 amino acid(s) of the PNKP protein and extend the protein by an uncertain number of amino acid residues. This variant is present in population databases (rs771489173, gnomAD 0.009%). This variant has not been reported in the literature in individuals affected with PNKP-related conditions. ClinVar contains an entry for this variant (Variation ID: 538898). This variant disrupts a region of the PNKP protein in which other variant(s) (p.Gln517*) have been determined to be pathogenic (PMID: 30039206). This suggests that this is a clinically significant region of the protein, and that variants that disrupt it are likely to be disease-causing. For these reasons, this variant has been classified as Pathogenic.

Women's Health and Genetics/Laboratory Corporation of America, LabCorp
Classification: Pathogenic for Ataxia - oculomotor apraxia type 4. Last evaluated: 2025-07-28. Review status: criteria provided, single submitter. Criteria: LabCorp Variant Classification Summary - May 2015. Collection method: clinical testing. Allele origin: germline.
Comment: Variant summary: PNKP c.1510delC (p.Arg504GlyfsX33+) causes a frameshift which results in an extension of the protein. The variant allele was found at a frequency of 4.4e-05 in 251276 control chromosomes (gnomAD). This frequency is not significantly higher than estimated for a pathogenic variant in PNKP causing Ataxia - oculomotor apraxia type 4 (4.4e-05 vs 0.0011), allowing no conclusion about variant significance. At least one likely pathogenic/pathogenic variant (p.Gln517*) downstream of this position has been reported (PMID: 30039206), suggesting that this is a clinically significant region of the protein, and that variants that disrupt it are likely to be disease-causing. To our knowledge, no occurrence of c.1510delC in individuals affected with Ataxia - oculomotor apraxia type 4 and no experimental evidence demonstrating its impact on protein function have been reported. ClinVar contains an entry for this variant (Variation ID: 538898). Based on the evidence outlined above, the variant was classified as pathogenic.

Blueprint Genetics
Classification: Uncertain significance. Last evaluated: 2023-11-14. Review status: criteria provided, single submitter. Criteria: ACMG Guidelines, 2015. Collection method: clinical testing. Allele origin: germline.

CeGaT Center for Human Genetics Tuebingen
Classification: Uncertain significance. Last evaluated: 2020-04-01. Review status: criteria provided, single submitter. Criteria: CeGaT Center For Human Genetics Tuebingen Variant Classification Criteria Version 2. Collection method: clinical testing. Allele origin: germline. Affected: yes. Observed: 2 variant alleles.

Literature cited by the submitters: PubMed 30039206 (cited by Labcorp Genetics (formerly Invitae), Labcorp).

NM_007254.4(PNKP):c.1510del (p.Arg504fs)

Gene: PNKP (polynucleotide kinase 3'-phosphatase; minus strand). Cytogenetic location: 19q13.33.
Variant type: Deletion.
Coding change: c.1510del on transcript NM_007254.4 (MANE Select); coding-DNA position 1510, one base deleted (C; older notation c.1510delC).
Protein change: p.Arg504fs; shifts the reading frame from arginine 504.
Molecular consequence: frameshift variant.
Genome position (GRCh38, 1-based): chr19:49,861,304, G deleted on the plus strand (C on the coding strand, the reverse complement: PNKP is on the minus strand); the first of 2 consecutive G bases (chr19:49,861,304-49,861,305); deleting either gives the same sequence. VCF-style (leftmost placement, unchanged base first): chr19-49861303-CG-C. GRCh37 (hg19) VCF-style: chr19-50364560-CG-C.
Other names: c.1510delC (NM_007254.4); c.1510del (NM_007254.3); short protein forms R504fs.
Identifiers: ClinVar variation 538898 (VCV000538898.52), dbSNP rs771489173, ClinGen allele CA9586323.